The following is an entry in ClinVar:

NM_000089.4(COL1A2):c.2078G>A (p.Arg693Gln)

Gene: COL1A2 (collagen type I alpha 2 chain; plus strand). Cytogenetic location: 7q21.3.
Variant type: single nucleotide variant.
Coding change: c.2078G>A on transcript NM_000089.4 (MANE Select); coding-DNA position 2078, G replaced by A.
Protein change: p.Arg693Gln; replaces arginine 693 with glutamine.
Molecular consequence: missense variant.
Genome position (GRCh38, 1-based): chr7:94,419,550, G>A. VCF-style: chr7-94419550-G-A. GRCh37 (hg19) VCF-style: chr7-94048862-G-A.
Other names: p.Arg693Gln; short protein forms R693Q.
Identifiers: ClinVar variation 392356 (VCV000392356.65), dbSNP rs34147460, ClinGen allele CA4347290.

ClinVar aggregate classification (germline): Benign/Likely benign. Review status: criteria provided, multiple submitters, no conflicts (2 of 4 stars). 14 submissions from 12 submitters: Benign (7); Likely benign (5). 2 of the submissions do not count toward it. Last evaluated 2026-05-01.

Conditions:
Osteoporosis. Identifiers: MedGen C0029456, MONDO:0005298, OMIM 166710, HP:0000939.
Combined osteogenesis imperfecta and Ehlers-Danlos syndrome 2. Also called: OIEDS SYNDROME 2. Identifiers: MedGen C5436847, MONDO:0030855, OMIM 619120.
Osteogenesis imperfecta type III (OI3). Also called: Osteogenesis imperfecta type 3; OI type 3; Osteogenesis imperfecta, progressively deforming with normal sclerae; OI type III; Progressively Deforming Osteogenesis Imperfecta. Identifiers: Orphanet 216812, Orphanet 666, MedGen C0268362, MONDO:0009804, OMIM 259420.
Osteogenesis imperfecta, perinatal lethal (OI2). Also called: Osteogenesis imperfecta type 2; OSTEOGENESIS IMPERFECTA, TYPE II; Osteogenesis imperfecta, dominant perinatal lethal; OI, TYPE II; OSTEOGENESIS IMPERFECTA CONGENITA; VROLIK TYPE OF OSTEOGENESIS IMPERFECTA. Identifiers: Orphanet 216804, MedGen C0268358, MONDO:0008147, OMIM 166210.
Ehlers-Danlos syndrome, arthrochalasia type, 2. Also called: EHLERS-DANLOS SYNDROME, TYPE VIIB, AUTOSOMAL DOMINANT. Identifiers: MedGen CN293783, MONDO:0040501, OMIM 617821.
Ehlers-Danlos syndrome, cardiac valvular type. Identifiers: Orphanet 230851, MedGen C4303789, MONDO:0009159, OMIM 225320.
Osteogenesis imperfecta with normal sclerae, dominant form (OI4). Also called: Osteogenesis Imperfecta Type IV; OSTEOGENESIS IMPERFECTA WITH NORMAL SCLERAE; Osteogenesis imperfecta type 4; OSTEOGENESIS IMPERFECTA, TYPE IV, WITH DENTINOGENESIS IMPERFECTA; Common Variable Osteogenesis Imperfecta with Normal Sclerae. Identifiers: Orphanet 216820, Orphanet 666, MedGen C0268363, MONDO:0008148, OMIM 166220.
Cardiovascular phenotype. Identifiers: MedGen CN230736.
Ehlers-Danlos syndrome (EDS). Identifiers: Orphanet 98249, MedGen C0013720, MONDO:0020066.
Ehlers-Danlos syndrome, classic type, 1 (EDSCL1). Also called: Ehlers-Danlos syndrome, type 1; EDS I; EHLERS-DANLOS SYNDROME, GRAVIS TYPE; EHLERS-DANLOS SYNDROME, SEVERE CLASSIC TYPE; Ehlers-Danlos Syndrome, Classic Type, COL5A1-Related. Identifiers: MedGen C0268335, MONDO:0019567, OMIM 130000.
Osteogenesis imperfecta type I (OI1). Also called: Lobstein's Disease; OI, TYPE I; OSTEOGENESIS IMPERFECTA TARDA; OSTEOGENESIS IMPERFECTA WITH BLUE SCLERAE; Lobstein disease; Osteogenesis imperfecta type 1. Identifiers: Orphanet 216796, Orphanet 666, MedGen C0023931, MONDO:0008146, OMIM 166200. Disease mechanism: loss of function.
Osteogenesis imperfecta (OI). Identifiers: Orphanet 666, MedGen C0029434, MeSH D010013, MONDO:0019019.

Allele frequency attached by ClinVar (database versions not stated): TOPMed 0.00060; 1000 Genomes Project 30x 0.00062; 1000 Genomes Project 0.00080; ESP Exome Variant Server 0.00092; gnomAD 0.00154 and 0.00159; ExAC 0.00201; gnomAD exomes 0.00205.
gnomAD v4.1: 2,140 of 1,614,002 alleles (0.13%); highest among the groups gnomAD compares: Non-Finnish European, 0.11%; 5 homozygotes.

Submissions (14):

CeGaT Center for Human Genetics Tuebingen
Classification: Likely benign. Last evaluated: 2026-05-01. Review status: criteria provided, single submitter. Criteria: CeGaT Center For Human Genetics Tuebingen Variant Classification Criteria Version 2. Collection method: clinical testing. Allele origin: germline. Affected: yes. Observed: 3 variant alleles.
Comment: COL1A2: BS1

Labcorp Genetics (formerly Invitae), Labcorp
Classification: Benign for Osteogenesis imperfecta type I; Ehlers-Danlos syndrome, classic type, 1. Last evaluated: 2026-01-24. Review status: criteria provided, single submitter. Criteria: Invitae Variant Classification Sherloc (09022015). Collection method: clinical testing. Allele origin: germline.

ARUP Laboratories, Molecular Genetics and Genomics, ARUP Laboratories
Classification: Likely benign. Last evaluated: 2025-07-25. Review status: criteria provided, single submitter. Criteria: ARUP Molecular Germline Variant Investigation Process 2024. Collection method: clinical testing. Allele origin: germline.

Blueprint Genetics
Classification: Likely benign. Last evaluated: 2024-11-08. Review status: criteria provided, single submitter. Criteria: ACMG Guidelines, 2015. Collection method: clinical testing. Allele origin: germline.

Mayo Clinic Laboratories, Mayo Clinic
Classification: Benign. Last evaluated: 2022-03-05. Review status: criteria provided, single submitter. Criteria: ACMG Guidelines, 2015. Collection method: clinical testing. Allele origin: germline. Observed: 9 variant alleles.

Fulgent Genetics
Classification: Likely benign for Osteogenesis imperfecta, perinatal lethal; Osteogenesis imperfecta with normal sclerae, dominant form; Osteoporosis; Ehlers-Danlos syndrome, cardiac valvular type; Osteogenesis imperfecta type III; Ehlers-Danlos syndrome, arthrochalasia type, 2; Combined osteogenesis imperfecta and Ehlers-Danlos syndrome 2. Last evaluated: 2021-11-08. Review status: criteria provided, single submitter. Criteria: ACMG Guidelines, 2015. Collection method: clinical testing. Allele origin: unknown.

Genome Diagnostics Laboratory, The Hospital for Sick Children
Classification: Benign for Ehlers-Danlos syndrome. Last evaluated: 2021-02-16. Review status: criteria provided, single submitter. Criteria: ACMG Guidelines, 2015. Collection method: clinical testing. Allele origin: germline.

Genome Diagnostics Laboratory, The Hospital for Sick Children
Classification: Benign for Osteogenesis imperfecta. Last evaluated: 2020-11-19. Review status: criteria provided, single submitter. Criteria: ACMG Guidelines, 2015. Collection method: clinical testing. Allele origin: germline.

Ambry Genetics
Classification: Likely benign for Cardiovascular phenotype. Last evaluated: 2019-02-01. Review status: criteria provided, single submitter. Criteria: Ambry Variant Classification Scheme 2023. Collection method: clinical testing. Allele origin: germline.

Illumina Laboratory Services, Illumina
Classification: Benign for Ehlers-Danlos syndrome, arthrochalasia type, 2. Last evaluated: 2018-01-13. Review status: criteria provided, single submitter. Criteria: ICSL Variant Classification Criteria 13 December 2019. Collection method: clinical testing. Allele origin: germline.
Comment: This variant was observed in the ICSL laboratory as part of a predisposition screen in an ostensibly healthy population. It had not been previously curated by ICSL or reported in the Human Gene Mutation Database (HGMD: prior to June 1st, 2018), and was therefore a candidate for classification through an automated scoring system. Utilizing variant allele frequency, disease prevalence and penetrance estimates, and inheritance mode, an automated score was calculated to assess if this variant is too frequent to cause the disease. Based on the score and internal cut-off values, a variant classified as benign is not then subjected to further curation. The score for this variant resulted in a classification of benign for this disease.

Illumina Laboratory Services, Illumina
Classification: Benign for Osteogenesis imperfecta. Last evaluated: 2018-01-13. Review status: criteria provided, single submitter. Criteria: ICSL Variant Classification Criteria 13 December 2019. Collection method: clinical testing. Allele origin: germline.
Comment: the same text as in the submission from Illumina Laboratory Services, Illumina above.

GeneDx
Classification: Benign. Last evaluated: 2017-01-05. Review status: criteria provided, single submitter. Criteria: GeneDx Variant Classification (06012015). Collection method: clinical testing. Allele origin: germline. Affected: yes.
Comment: This variant is considered likely benign or benign based on one or more of the following criteria: it is a conservative change, it occurs at a poorly conserved position in the protein, it is predicted to be benign by multiple in silico algorithms, and/or has population frequency not consistent with disease.

Clinical Genetics DNA and cytogenetics Diagnostics Lab, Erasmus MC, Erasmus Medical Center
Classification: Likely benign. Review status: no assertion criteria provided. Collection method: clinical testing. Allele origin: germline. Affected: yes. Study: VKGL Data-share Consensus. Not counted in ClinVar's aggregate classification.

Genome Diagnostics Laboratory, Amsterdam University Medical Center
Classification: Benign. Review status: no assertion criteria provided. Collection method: clinical testing. Allele origin: germline. Affected: yes. Study: VKGL Data-share Consensus. Not counted in ClinVar's aggregate classification.